The following is an entry in ClinVar:

ClinVar aggregate classification (germline): Uncertain significance. Review status: criteria provided, multiple submitters, no conflicts (2 of 4 stars). 2 submissions from 2 submitters: Uncertain significance (2). Last evaluated 2025-08-03.

Conditions:
Desmin-related myofibrillar myopathy (MFM1). Also called: MYOFIBRILLAR MYOPATHY WITH ARRHYTHMOGENIC RIGHT VENTRICULAR CARDIOMYOPATHY; DESMIN-RELATED MYOPATHY WITH ARRHYTHMOGENIC RIGHT VENTRICULAR CARDIOMYOPATHY; Myofibrillar myopathy 1; Desminopathy; Desmin related myopathy (former name); Desmin storage myopathy (former name). Identifiers: Orphanet 363543, Orphanet 98909, MedGen C1832370, MONDO:0011076, OMIM 601419.
Cardiovascular phenotype. Identifiers: MedGen CN230736.

Allele frequency attached by ClinVar (database versions not stated): gnomAD exomes below 0.00001.

Submissions (2):

Ambry Genetics
Classification: Uncertain significance for Cardiovascular phenotype. Last evaluated: 2025-08-03. Review status: criteria provided, single submitter. Criteria: Ambry Variant Classification Scheme 2023. Collection method: clinical testing. Allele origin: germline.
Comment: The p.A204T variant (also known as c.610G>A), located in coding exon 2 of the DES gene, results from a G to A substitution at nucleotide position 610. The alanine at codon 204 is replaced by threonine, an amino acid with similar properties. This amino acid position is conserved. In addition, the in silico prediction for this alteration is inconclusive. Based on the available evidence, the clinical significance of this variant remains unclear.

Labcorp Genetics (formerly Invitae), Labcorp
Classification: Uncertain significance for Desmin-related myofibrillar myopathy. Last evaluated: 2021-04-17. Review status: criteria provided, single submitter. Criteria: Invitae Variant Classification Sherloc (09022015). Collection method: clinical testing. Allele origin: germline.
Comment: In summary, the available evidence is currently insufficient to determine the role of this variant in disease. Therefore, it has been classified as a Variant of Uncertain Significance. Algorithms developed to predict the effect of missense changes on protein structure and function are either unavailable or do not agree on the potential impact of this missense change (SIFT: "Tolerated"; PolyPhen-2: "Possibly Damaging"; Align-GVGD: "Class C0"). This variant has not been reported in the literature in individuals with DES-related conditions. This variant is not present in population databases (ExAC no frequency). This sequence change replaces alanine with threonine at codon 204 of the DES protein (p.Ala204Thr). The alanine residue is highly conserved and there is a small physicochemical difference between alanine and threonine.

NM_001927.4(DES):c.610G>A (p.Ala204Thr)

Gene: DES (desmin; plus strand). Cytogenetic location: 2q35.
Variant type: single nucleotide variant.
Coding change: c.610G>A on transcript NM_001927.4 (MANE Select); coding-DNA position 610, G replaced by A.
Protein change: p.Ala204Thr; replaces alanine 204 with threonine.
Molecular consequence: missense variant. On other transcripts: intron variant (1).
Genome position (GRCh38, 1-based): chr2:219,420,126, G>A. VCF-style: chr2-219420126-G-A. GRCh37 (hg19) VCF-style: chr2-220284848-G-A.
Other names: c.610G>A, p.Ala204Thr (NM_001382708.1, NM_001382709.1, NM_001382710.1 and 2 more transcripts); c.496-399G>A (NM_001382713.1); c.610G>A (NM_001927.3); short protein forms A204T.
Identifiers: ClinVar variation 1404292 (VCV001404292.9), dbSNP rs1575014034, ClinGen allele CA350689867.